The following is an entry in ClinVar:

ClinVar aggregate classification (germline): Uncertain significance. Review status: criteria provided, multiple submitters, no conflicts (2 of 4 stars). 6 submissions from 5 submitters: Uncertain significance (5). 1 of the submissions does not count toward it. Last evaluated 2024-10-29.

Conditions:
Inborn genetic diseases. Identifiers: MedGen C0950123, MeSH D030342.
Retinitis pigmentosa 39 (RP39). Identifiers: Orphanet 791, MedGen C3151138, MONDO:0013436, OMIM 613809.
Usher syndrome type 2A. Also called: RETINAL DISEASE IN USHER SYNDROME TYPE IIA, MODIFIER OF; USHER SYNDROME, TYPE IIA. Identifiers: Orphanet 231178, Orphanet 886, MedGen C1848634, MONDO:0010169, OMIM 276901.

Allele frequency attached by ClinVar (database versions not stated): gnomAD 0.00001; gnomAD exomes 0.00001 and 0.00002; TOPMed 0.00001; ExAC 0.00002; ESP Exome Variant Server 0.00008.
gnomAD v4.1: 16 of 1,613,442 alleles (0.00099%); highest among the groups gnomAD compares: Non-Finnish European, 0.0012%; 1 homozygote.

Submissions (6):

Blueprint Genetics
Classification: Uncertain significance. Last evaluated: 2024-10-29. Review status: criteria provided, single submitter. Criteria: ACMG Guidelines, 2015. Collection method: clinical testing. Allele origin: germline.

Genome-Nilou Lab
Classification: Uncertain significance for Retinitis pigmentosa 39. Last evaluated: 2023-11-04. Review status: criteria provided, single submitter. Criteria: ACMG Guidelines, 2015. Collection method: clinical testing. Allele origin: germline. Affected: no.

Genome-Nilou Lab
Classification: Uncertain significance for Usher syndrome type 2A. Last evaluated: 2023-11-04. Review status: criteria provided, single submitter. Criteria: ACMG Guidelines, 2015. Collection method: clinical testing. Allele origin: germline. Affected: no.

Ambry Genetics
Classification: Uncertain significance for Inborn genetic diseases. Last evaluated: 2023-07-27. Review status: criteria provided, single submitter. Criteria: Ambry Variant Classification Scheme 2023. Collection method: clinical testing. Allele origin: germline.

Labcorp Genetics (formerly Invitae), Labcorp
Classification: Uncertain significance. Last evaluated: 2022-07-10. Review status: criteria provided, single submitter. Criteria: Invitae Variant Classification Sherloc (09022015). Collection method: clinical testing. Allele origin: germline.
Comment: This sequence change replaces isoleucine, which is neutral and non-polar, with leucine, which is neutral and non-polar, at codon 1687 of the USH2A protein (p.Ile1687Leu). This variant is present in population databases (rs144213699, gnomAD 0.004%). This variant has not been reported in the literature in individuals affected with USH2A-related conditions. ClinVar contains an entry for this variant (Variation ID: 841585). Algorithms developed to predict the effect of missense changes on protein structure and function output the following: SIFT: "Tolerated"; PolyPhen-2: "Benign"; Align-GVGD: "Class C0". The leucine amino acid residue is found in multiple mammalian species, which suggests that this missense change does not adversely affect protein function. In summary, the available evidence is currently insufficient to determine the role of this variant in disease. Therefore, it has been classified as a Variant of Uncertain Significance.

Natera, Inc.
Classification: Uncertain significance for Usher syndrome type 2A. Last evaluated: 2021-02-08. Review status: no assertion criteria provided. Collection method: clinical testing. Allele origin: germline. Not counted in ClinVar's aggregate classification.

NM_206933.4(USH2A):c.5059A>C (p.Ile1687Leu)

Genes: USH2A (usherin; minus strand), USH2A-AS2 (USH2A antisense RNA 2; plus strand). Cytogenetic location: 1q41.
Variant type: single nucleotide variant.
Coding change: c.5059A>C on transcript NM_206933.4 (MANE Select); coding-DNA position 5059, A replaced by C.
Protein change: p.Ile1687Leu; replaces isoleucine 1687 with leucine.
Molecular consequence: missense variant.
Genome position (GRCh38, 1-based): chr1:216,084,806, T>G on the plus strand (A>C on the coding strand, the complement: USH2A is on the minus strand). VCF-style: chr1-216084806-T-G. GRCh37 (hg19) VCF-style: chr1-216258148-T-G.
Other names: short protein forms I1687L.
Identifiers: ClinVar variation 841585 (VCV000841585.7), dbSNP rs144213699, ClinGen allele CA1395546.